The following is an entry in ClinVar:

NM_001101426.4(CRPPA):c.*1470T>G

Gene: CRPPA (CDP-L-ribitol pyrophosphorylase A; minus strand). Cytogenetic location: 7p21.2.
Variant type: single nucleotide variant.
Coding change: c.*1470T>G on transcript NM_001101426.4 (MANE Select); 1470 bases downstream of the stop codon, T replaced by G.
Molecular consequence: 3 prime UTR variant. On other transcripts: non-coding transcript variant (1).
Genome position (GRCh38, 1-based): chr7:16,090,225, A>C on the plus strand (T>G on the coding strand, the complement: CRPPA is on the minus strand). VCF-style: chr7-16090225-A-C. GRCh37 (hg19) VCF-style: chr7-16129850-A-C.
Other names: c.*1470T>G (NM_001101417.4, NM_001368197.1).
Identifiers: ClinVar variation 359557 (VCV000359557.5), dbSNP rs528279923, ClinGen allele CA10628659.

ClinVar aggregate classification (germline): Likely benign (1 of 4 stars; one submission).

Conditions:
Congenital Muscular Dystrophy, alpha-dystroglycan related.

Allele frequency attached by ClinVar (database versions not stated): gnomAD below 0.00001 and 0.00054; TOPMed 0.00008; 1000 Genomes Project 0.00459; 1000 Genomes Project 30x 0.00484.

Submission:

Illumina Laboratory Services, Illumina
Classification: Likely benign for Congenital Muscular Dystrophy, alpha-dystroglycan related. Last evaluated: 2018-01-12. Review status: criteria provided, single submitter. Criteria: ICSL Variant Classification Criteria 13 December 2019. Collection method: clinical testing. Allele origin: germline.
Comment: This variant was observed in the ICSL laboratory as part of a predisposition screen in an ostensibly healthy population. It had not been previously curated by ICSL or reported in the Human Gene Mutation Database (HGMD: prior to June 1st, 2018), and was therefore a candidate for classification through an automated scoring system. Utilizing variant allele frequency, disease prevalence and penetrance estimates, and inheritance mode, an automated score was calculated to assess if this variant is too frequent to cause the disease. Based on the score and internal cut-off values, a variant classified as likely benign is not then subjected to further curation. The score for this variant resulted in a classification of likely benign for this disease.